The following is an entry in ClinVar:

ClinVar aggregate classification (germline): Pathogenic/Likely pathogenic. Review status: criteria provided, multiple submitters, no conflicts (2 of 4 stars). 2 submissions from 2 submitters: Pathogenic (1); Likely pathogenic (1). Last evaluated 2025-12-08.

Conditions:
Ellis-van Creveld syndrome (EVC). Also called: EVC-Related Ellis-van Creveld Syndrome; EVC2-Related Ellis-van Creveld Syndrome; Chondroectodermal dysplasia; MESOECTODERMAL DYSPLASIA. Identifiers: Orphanet 289, MedGen C0013903, MONDO:0009162, OMIM 225500.
Curry-Hall syndrome (WAD). Also called: WEYERS ACRODENTAL DYSOSTOSIS. Identifiers: Orphanet 952, MedGen C0457013, MONDO:0008673, OMIM 193530.

Allele frequency attached by ClinVar (database versions not stated): ExAC 0.00001; gnomAD exomes 0.00001; TOPMed 0.00001; gnomAD 0.00003.
gnomAD v4.1: 9 of 1,614,084 alleles (0.00056%); highest among the groups gnomAD compares: Admixed American, 0.0067%; no homozygotes.

Submissions (2):

Labcorp Genetics (formerly Invitae), Labcorp
Classification: Pathogenic for Curry-Hall syndrome; Ellis-van Creveld syndrome. Last evaluated: 2025-12-08. Review status: criteria provided, single submitter. Criteria: Invitae Variant Classification Sherloc (09022015). Collection method: clinical testing. Allele origin: germline.
Comment: This sequence change creates a premature translational stop signal (p.Ser114*) in the EVC2 gene. It is expected to result in an absent or disrupted protein product. Loss-of-function variants in EVC2 are known to be pathogenic (PMID: 17024374, 19810119, 19876929). This variant is present in population databases (rs748820015, gnomAD 0.008%). This variant has not been reported in the literature in individuals affected with EVC2-related conditions. ClinVar contains an entry for this variant (Variation ID: 580714). For these reasons, this variant has been classified as Pathogenic.

Otogenetics
Classification: Likely pathogenic for Ellis-van Creveld syndrome; Curry-Hall syndrome. Last evaluated: 2025-10-13. Review status: criteria provided, single submitter. Criteria: ACMG Guidelines, 2015. Collection method: clinical testing. Allele origin: germline.
Comment: PVS1: Stop gain variant introduces premature stop codon in gene with loss of function as mechanism of disease, predicted to undergo NMD; PM2: Maximum gnomAD MAF of 0.008% in African (AFR) subpopulation (<0.159% threshold)

Literature cited by the submitters: PubMed 17024374 (cited by Labcorp Genetics (formerly Invitae), Labcorp); PubMed 19810119 (cited by Labcorp Genetics (formerly Invitae), Labcorp); PubMed 19876929 (cited by Labcorp Genetics (formerly Invitae), Labcorp).

NM_147127.5(EVC2):c.341C>G (p.Ser114Ter)

Gene: EVC2 (EvC ciliary complex subunit 2; minus strand). Cytogenetic location: 4p16.2.
Variant type: single nucleotide variant.
Coding change: c.341C>G on transcript NM_147127.5 (MANE Select); coding-DNA position 341, C replaced by G.
Protein change: p.Ser114Ter; replaces serine 114 with a stop codon.
Molecular consequence: nonsense.
Genome position (GRCh38, 1-based): chr4:5,694,444, G>C on the plus strand (C>G on the coding strand, the complement: EVC2 is on the minus strand). VCF-style: chr4-5694444-G-C. GRCh37 (hg19) VCF-style: chr4-5696171-G-C.
Other names: c.101C>G, p.Ser34Ter (NM_001166136.2); short protein forms S114*, S34*.
Identifiers: ClinVar variation 580714 (VCV000580714.8), dbSNP rs748820015, ClinGen allele CA2835494.